The following is an entry in ClinVar:

NM_004714.3(DYRK1B):c.1288_1304del (p.Phe430fs)

Gene: DYRK1B (dual specificity tyrosine phosphorylation regulated kinase 1B; minus strand). Cytogenetic location: 19q13.2.
Variant type: Deletion.
Coding change: c.1288_1304del on transcript NM_004714.3 (MANE Select); coding-DNA positions 1288 to 1304, 17 bases deleted (TTCTTCCGCCGCACGGC).
Protein change: p.Phe430fs; shifts the reading frame from phenylalanine 430.
Molecular consequence: frameshift variant.
Genome position (GRCh38, 1-based): chr19:39,826,779-39,826,795, GCCGTGCGGCGGAAGAA deleted on the plus strand (TTCTTCCGCCGCACGGC on the coding strand, the reverse complement: DYRK1B is on the minus strand); deleting any 17 consecutive bases within chr19:39,826,779-39,826,802 gives the same sequence; the c. name uses the placement nearest the transcript's 3' end. VCF-style (leftmost placement, unchanged base first): chr19-39826778-GGCCGTGCGGCGGAAGAA-G. GRCh37 (hg19) VCF-style: chr19-40317418-GGCCGTGCGGCGGAAGAA-G.
Other names: c.1168_1184del, p.Phe390fs (NM_006483.3); c.1204_1220del, p.Phe402fs (NM_006484.3); short protein forms F390fs, F402fs, F430fs.
Identifiers: ClinVar variation 4978347 (VCV004978347.1).
Genomic context (GRCh38, chr19:39,826,778, plus strand): 5'-GAGGGGCGCGGGCGAGGTGGAGGCACTGCTGCCTGCCGGGCCCGTGTTGGTGGCCTCGTC[GGCCGTGCGGCGGAAGAA>G]GCCGTGCTGCAGAGCCCCCAGGGGGCTGATGCGGGCGGCGGGCTCATACTCCAGCATGCG-3'

ClinVar aggregate classification (germline): Uncertain significance (1 of 4 stars; one submission).

Conditions:
DYRK1B-related disorder. Also called: DYRK1B-related condition.

Submission:

PreventionGenetics, part of Exact Sciences
Classification: Uncertain significance for DYRK1B-related condition. Last evaluated: 2024-12-08. Review status: criteria provided, single submitter. Criteria: ACMG Guidelines, 2015. Collection method: clinical testing. Allele origin: germline.
Comment: The DYRK1B c.1288_1304del17 variant is predicted to result in a frameshift and premature protein termination (p.Phe430Argfs*44). To our knowledge, this variant has not been reported in the literature or in a large population database (gnomAD), indicating this variant is rare. To date, a limited number of protein-truncating variants have been reported in this gene in association with disease (Human Gene Mutation Database). Although we suspect that this variant may be pathogenic, at this time, the clinical significance of this variant is uncertain due to the absence of conclusive functional and genetic evidence.